The following is an entry in ClinVar:

ClinVar aggregate classification (germline): Benign/Likely benign. Review status: criteria provided, multiple submitters, no conflicts (2 of 4 stars). 6 submissions from 6 submitters: Benign (2); Likely benign (4). Last evaluated 2026-09-01.

Conditions:
3M syndrome 2. Also called: 3-M Syndrome, OBSL1-Related; THREE M SYNDROME 2. Identifiers: Orphanet 2616, MedGen C2752041, MONDO:0013039, OMIM 612921.

Allele frequency attached by ClinVar (database versions not stated): gnomAD exomes 0.00075; ExAC 0.00087; 1000 Genomes Project 0.00180; 1000 Genomes Project 30x 0.00187; ESP Exome Variant Server 0.00286; gnomAD 0.00292 and 0.00317; TOPMed 0.00343.
gnomAD v4.1: 895 of 1,613,784 alleles (0.055%); highest among the groups gnomAD compares: African/African-American, 1.1%; 5 homozygotes.

Submissions (6):

CeGaT Center for Human Genetics Tuebingen
Classification: Likely benign. Last evaluated: 2026-09-01. Review status: criteria provided, single submitter. Criteria: CeGaT Center For Human Genetics Tuebingen Variant Classification Criteria Version 2. Collection method: clinical testing. Allele origin: germline. Affected: yes. Observed: 1 variant allele.
Comment: OBSL1: BP4, BP7, BS1

Women's Health and Genetics/Laboratory Corporation of America, LabCorp
Classification: Likely benign. Last evaluated: 2026-05-11. Review status: criteria provided, single submitter. Criteria: LabCorp Variant Classification Summary - May 2015. Collection method: clinical testing. Allele origin: germline.

Labcorp Genetics (formerly Invitae), Labcorp
Classification: Benign. Last evaluated: 2026-01-28. Review status: criteria provided, single submitter. Criteria: Invitae Variant Classification Sherloc (09022015). Collection method: clinical testing. Allele origin: germline.

Blueprint Genetics
Classification: Likely benign. Last evaluated: 2024-07-05. Review status: criteria provided, single submitter. Criteria: ACMG Guidelines, 2015. Collection method: clinical testing. Allele origin: germline.

Illumina Laboratory Services, Illumina
Classification: Likely benign for 3M syndrome 2. Last evaluated: 2018-01-12. Review status: criteria provided, single submitter. Criteria: ICSL Variant Classification Criteria 13 December 2019. Collection method: clinical testing. Allele origin: germline.
Comment: This variant was observed in the ICSL laboratory as part of a predisposition screen in an ostensibly healthy population. It had not been previously curated by ICSL or reported in the Human Gene Mutation Database (HGMD: prior to June 1st, 2018), and was therefore a candidate for classification through an automated scoring system. Utilizing variant allele frequency, disease prevalence and penetrance estimates, and inheritance mode, an automated score was calculated to assess if this variant is too frequent to cause the disease. Based on the score and internal cut-off values, a variant classified as likely benign is not then subjected to further curation. The score for this variant resulted in a classification of likely benign for this disease.

Eurofins Ntd Llc (ga)
Classification: Benign. Last evaluated: 2015-09-15. Review status: criteria provided, single submitter. Criteria: EGL Classification Definitions 2015. Collection method: clinical testing. Allele origin: germline. Observed: 1 variant allele, 1 heterozygote.

NM_015311.3(OBSL1):c.3159C>T (p.Pro1053=)

Gene: OBSL1 (obscurin like cytoskeletal adaptor 1; minus strand). Cytogenetic location: 2q35.
Variant type: single nucleotide variant.
Coding change: c.3159C>T on transcript NM_015311.3 (MANE Select); coding-DNA position 3159, C replaced by T.
Protein change: p.Pro1053=; no amino-acid change (proline 1053 retained).
Molecular consequence: synonymous variant.
Genome position (GRCh38, 1-based): chr2:219,559,292, G>A on the plus strand (C>T on the coding strand, the complement: OBSL1 is on the minus strand). VCF-style: chr2-219559292-G-A. GRCh37 (hg19) VCF-style: chr2-220424014-G-A.
Other names: c.3159C>T, p.Pro1053= (NM_001173431.2).
Identifiers: ClinVar variation 282993 (VCV000282993.21), dbSNP rs115417324, ClinGen allele CA2130952.
Genomic context (GRCh38, chr2:219,559,292, plus strand): 5'-AGTGACAGTGAAGAAGGCCGAGTCATCTCCAGCATCACATACAAACTCGCCCCCGTCCTC[G>A]GGCTGAGCAGCAGGTAGCACCAGGCGGCAGCGTGGCCCATCCCTCTCCAGCACCAGGGCC-3'
Protein context (NP_056126.1, residues 1043-1063): RCRLVLPAAQ[Pro1053=]EDGGEFVCDA